The following is an entry in ClinVar:

NM_024675.4(PALB2):c.3438G>A (p.Gln1146=)

Gene: PALB2 (partner and localizer of BRCA2; minus strand). Cytogenetic location: 16p12.2.
Variant type: single nucleotide variant.
Coding change: c.3438G>A on transcript NM_024675.4 (MANE Select); coding-DNA position 3438, G replaced by A.
Protein change: p.Gln1146=; no amino-acid change (glutamine 1146 retained).
Molecular consequence: synonymous variant. On other transcripts: 3 prime UTR variant (5).
Genome position (GRCh38, 1-based): chr16:23,603,582, C>T on the plus strand (G>A on the coding strand, the complement: PALB2 is on the minus strand). VCF-style: chr16-23603582-C-T. GRCh37 (hg19) VCF-style: chr16-23614903-C-T.
Other names: c.3378G>A, p.Gln1126= (NM_001407296.1); c.3366G>A, p.Gln1122= (NM_001407297.1); c.3276G>A, p.Gln1092= (NM_001407298.1); c.3201G>A, p.Gln1067= (NM_001407299.1); c.3159G>A, p.Gln1053= (NM_001407300.1); c.*73G>A (NM_001407301.1, NM_001407302.1, NM_001407310.1 and 2 more transcripts); c.2553G>A, p.Gln851= (NM_001407304.1, NM_001407305.1, NM_001407306.1); c.2391G>A, p.Gln797= (NM_001407307.1); and 3 more.
Identifiers: ClinVar variation 1731430 (VCV001731430.13), dbSNP rs771827859, ClinGen allele CA494173642.

ClinVar aggregate classification (germline): Benign/Likely benign. Review status: criteria provided, multiple submitters, no conflicts (2 of 4 stars). 4 submissions from 4 submitters: Benign (1); Likely benign (3). Last evaluated 2025-03-04.

Conditions:
Hereditary cancer-predisposing syndrome. Also called: Neoplastic Syndromes, Hereditary; Tumor predisposition; Hereditary Cancer Syndrome; Hereditary neoplastic syndrome. Identifiers: Orphanet 140162, MedGen C0027672, MeSH D009386, MONDO:0015356.
Familial cancer of breast. Also called: BREAST CANCER, FAMILIAL; Hereditary breast cancer; hereditary breast carcinoma. Identifiers: Orphanet 227535, MedGen C0346153, MONDO:0016419, OMIM 114480. Disease mechanism: loss of function.

Allele frequency attached by ClinVar (database versions not stated): gnomAD exomes below 0.00001.
gnomAD v4.1: 3 of 1,614,146 alleles (0.00019%); highest among the groups gnomAD compares: Non-Finnish European, 0.00025%; no homozygotes.

Submissions (4):

Center for Genomic Medicine, Rigshospitalet, Copenhagen University Hospital
Classification: Likely benign. Last evaluated: 2025-03-04. Review status: criteria provided, single submitter. Criteria: ACMG Guidelines, 2015. Collection method: clinical testing. Allele origin: germline.

Myriad Genetics, Inc.
Classification: Benign for Familial cancer of breast. Last evaluated: 2025-01-22. Review status: criteria provided, single submitter. Criteria: Myriad Autosomal Dominant, Autosomal Recessive and X-Linked Classification Criteria (2023). Collection method: clinical testing. Allele origin: unknown.
Comment: This variant is considered benign. This variant is a silent/synonymous amino acid change and it is not expected to impact splicing.

Labcorp Genetics (formerly Invitae), Labcorp
Classification: Likely benign for Familial cancer of breast. Last evaluated: 2023-11-25. Review status: criteria provided, single submitter. Criteria: Invitae Variant Classification Sherloc (09022015). Collection method: clinical testing. Allele origin: germline.

Ambry Genetics
Classification: Likely benign for Hereditary cancer-predisposing syndrome. Last evaluated: 2022-04-04. Review status: criteria provided, single submitter. Criteria: Ambry Variant Classification Scheme 2023. Collection method: clinical testing. Allele origin: germline.